The following is an entry in ClinVar:

ClinVar aggregate classification (germline): Uncertain significance (1 of 4 stars; one submission).

Conditions:
Hereditary cancer-predisposing syndrome. Also called: Neoplastic Syndromes, Hereditary; Tumor predisposition; Hereditary neoplastic syndrome; Hereditary Cancer Syndrome. Identifiers: Orphanet 140162, MedGen C0027672, MeSH D009386, MONDO:0015356.

Submission:

Labcorp Genetics (formerly Invitae), Labcorp
Classification: Uncertain significance for Hereditary cancer-predisposing syndrome. Last evaluated: 2022-10-26. Review status: criteria provided, single submitter. Criteria: Invitae Variant Classification Sherloc (09022015). Collection method: clinical testing. Allele origin: germline.
Comment: This variant is not present in population databases (gnomAD no frequency). In summary, the available evidence is currently insufficient to determine the role of this variant in disease. Therefore, it has been classified as a Variant of Uncertain Significance. Advanced modeling of protein sequence and biophysical properties (such as structural, functional, and spatial information, amino acid conservation, physicochemical variation, residue mobility, and thermodynamic stability) performed at Invitae indicates that this missense variant is expected to disrupt RAD50 protein function. This variant has not been reported in the literature in individuals affected with RAD50-related conditions. This sequence change replaces cysteine, which is neutral and slightly polar, with serine, which is neutral and polar, at codon 788 of the RAD50 protein (p.Cys788Ser).

NM_005732.4(RAD50):c.2362T>A (p.Cys788Ser)

Gene: RAD50 (RAD50 double strand break repair protein; plus strand). Cytogenetic location: 5q31.1.
Variant type: single nucleotide variant.
Coding change: c.2362T>A on transcript NM_005732.4 (MANE Select); coding-DNA position 2362, T replaced by A.
Protein change: p.Cys788Ser; replaces cysteine 788 with serine.
Molecular consequence: missense variant.
Genome position (GRCh38, 1-based): chr5:132,603,454, T>A. VCF-style: chr5-132603454-T-A. GRCh37 (hg19) VCF-style: chr5-131939146-T-A.
Other names: short protein forms C788S.
Identifiers: ClinVar variation 1722219 (VCV001722219.6), dbSNP rs2479665149, ClinGen allele CA360954922.